The following is an entry in ClinVar:

NM_005263.5(GFI1):c.62C>T (p.Pro21Leu)

Gene: GFI1 (growth factor independent 1 transcriptional repressor; minus strand). Cytogenetic location: 1p22.1.
Variant type: single nucleotide variant.
Coding change: c.62C>T on transcript NM_005263.5 (MANE Select); coding-DNA position 62, C replaced by T.
Protein change: p.Pro21Leu; replaces proline 21 with leucine.
Molecular consequence: missense variant.
Genome position (GRCh38, 1-based): chr1:92,483,426, G>A on the plus strand (C>T on the coding strand, the complement: GFI1 is on the minus strand). VCF-style: chr1-92483426-G-A. GRCh37 (hg19) VCF-style: chr1-92948983-G-A.
Other names: c.62C>T, p.Pro21Leu (NM_001127215.3, NM_001127216.3); short protein forms P21L.
Identifiers: ClinVar variation 4029369 (VCV004029369.2).
Genomic context (GRCh38, chr1:92,483,426, plus strand): 5'-CTCGCACCTGCTCGGCTAGGCGCCGGTACATTCTCTAAACGGAGGGAATAGTCTGGTCCT[G>A]GGGAGCGCGGCTGGTGGTAGCTGTGAGCCTTCTTGCTTTTGACGAGAAATGAGCGCGGCA-3'
Protein context (NP_005254.2, residues 11-31): KAHSYHQPRS[Pro21Leu]GPDYSLRLEN

ClinVar aggregate classification (germline): Uncertain significance. Review status: criteria provided, multiple submitters, no conflicts (2 of 4 stars). 2 submissions from 2 submitters: Uncertain significance (2). Last evaluated 2025-11-27.

Conditions:
Neutropenia, severe congenital, 2, autosomal dominant. Identifiers: Orphanet 486, MedGen C2751288, MONDO:0013139, OMIM 613107.

Submissions (2):

Labcorp Genetics (formerly Invitae), Labcorp
Classification: Uncertain significance for Neutropenia, severe congenital, 2, autosomal dominant. Last evaluated: 2025-11-27. Review status: criteria provided, single submitter. Criteria: Invitae Variant Classification Sherloc (09022015). Collection method: clinical testing. Allele origin: germline.
Comment: This sequence change replaces proline, which is neutral and non-polar, with leucine, which is neutral and non-polar, at codon 21 of the GFI1 protein (p.Pro21Leu). This variant is present in population databases (rs755423368, gnomAD 0.007%). This variant has not been reported in the literature in individuals affected with GFI1-related conditions. ClinVar contains an entry for this variant (Variation ID: 4029369). Invitae Evidence Modeling of protein sequence and biophysical properties (such as structural, functional, and spatial information, amino acid conservation, physicochemical variation, residue mobility, and thermodynamic stability) indicates that this missense variant is not expected to disrupt GFI1 protein function with a negative predictive value of 80%. In summary, the available evidence is currently insufficient to determine the role of this variant in disease. Therefore, it has been classified as a Variant of Uncertain Significance.

Ambry Genetics
Classification: Uncertain significance. Last evaluated: 2025-03-22. Review status: criteria provided, single submitter. Criteria: Ambry Variant Classification Scheme 2023. Collection method: clinical testing. Allele origin: germline.
Comment: The p.P21L variant (also known as c.62C>T), located in coding exon 1 of the GFI1 gene, results from a C to T substitution at nucleotide position 62. The proline at codon 21 is replaced by leucine, an amino acid with similar properties. This amino acid position is conserved. In addition, this alteration is predicted to be tolerated by in silico analysis. Based on the available evidence, the clinical significance of this variant remains unclear.